The following is an entry in ClinVar:

ClinVar aggregate classification (germline): Pathogenic/Likely pathogenic. Review status: criteria provided, multiple submitters, no conflicts (2 of 4 stars). 5 submissions from 5 submitters: Pathogenic (1); Likely pathogenic (3). 1 of the submissions does not count toward it. Last evaluated 2025-01-24.

Conditions:
Multiple congenital anomalies-hypotonia-seizures syndrome 1 (MCAHS1). Also called: PIGN-CDG; Congenital disorder of glycosylation due to PIGN deficiency; GLYCOSYLPHOSPHATIDYLINOSITOL BIOSYNTHESIS DEFECT 3. Identifiers: Orphanet 280633, MedGen C3279775, MONDO:0013563, OMIM 614080.

Allele frequency attached by ClinVar (database versions not stated): TOPMed 0.00001; gnomAD exomes 0.00002; gnomAD 0.00003.
gnomAD v4.1: 25 of 1,495,258 alleles (0.0017%); highest among the groups gnomAD compares: Non-Finnish European, 0.0023%; no homozygotes.

Submissions (5):

GeneDx
Classification: Likely pathogenic. Last evaluated: 2025-01-24. Review status: criteria provided, single submitter. Criteria: GeneDx Variant Classification Process June 2021. Collection method: clinical testing. Allele origin: germline. Affected: yes.
Comment: Identified in heterozygous state in an individual with epilepsy (PMID: 31440721); Canonical splice site variant predicted to result in a null allele in a gene for which loss of function is a known mechanism of disease; Not observed at significant frequency in large population cohorts (gnomAD); This variant is associated with the following publications: (PMID: 34051595, 31440721, 31980526)

Women's Health and Genetics/Laboratory Corporation of America, LabCorp
Classification: Likely pathogenic for Multiple congenital anomalies-hypotonia-seizures syndrome 1. Last evaluated: 2024-11-13. Review status: criteria provided, single submitter. Criteria: LabCorp Variant Classification Summary - May 2015. Collection method: clinical testing. Allele origin: germline.
Comment: Variant summary: PIGN c.1251+1G>A is located in a canonical splice-site and is predicted to affect mRNA splicing resulting in a significantly altered protein due to either exon skipping, shortening, or inclusion of intronic material. Variants that disrupt the consensus splice site are a relatively common cause of aberrant splicing and loss of PIGN function. Several computational tools predict a significant impact on normal splicing: Four predict the variant abolishes a 5' splicing donor site. However, these predictions have yet to be confirmed by functional studies. The variant was absent in 156744 control chromosomes. c.1251+1G>A has been reported in the literature in individuals affected with PIGN-related features (Lam_2024). To our knowledge, no experimental evidence demonstrating an impact on protein function has been reported. ClinVar contains an entry for this variant (Variation ID: 665474). Based on the evidence outlined above, the variant was classified as likely pathogenic.

Labcorp Genetics (formerly Invitae), Labcorp
Classification: Pathogenic for Multiple congenital anomalies-hypotonia-seizures syndrome 1. Last evaluated: 2023-08-10. Review status: criteria provided, single submitter. Criteria: Invitae Variant Classification Sherloc (09022015). Collection method: clinical testing. Allele origin: germline.
Comment: Algorithms developed to predict the effect of sequence changes on RNA splicing suggest that this variant may disrupt the consensus splice site. ClinVar contains an entry for this variant (Variation ID: 665474). Disruption of this splice site has been observed in individual(s) with PIGN-congenital disorder of glycosylation (PMID: 34051595). In at least one individual the data is consistent with being in trans (on the opposite chromosome) from a pathogenic variant. It has also been observed to segregate with disease in related individuals. This variant is not present in population databases (gnomAD no frequency). This sequence change affects a donor splice site in intron 15 of the PIGN gene. It is expected to disrupt RNA splicing. Variants that disrupt the donor or acceptor splice site typically lead to a loss of protein function (PMID: 16199547), and loss-of-function variants in PIGN are known to be pathogenic (PMID: 24253414, 27038415). For these reasons, this variant has been classified as Pathogenic.

Baylor Genetics
Classification: Likely pathogenic for Multiple congenital anomalies-hypotonia-seizures syndrome 1. Last evaluated: 2022-04-26. Review status: criteria provided, single submitter. Criteria: ACMG Guidelines, 2015. Collection method: clinical testing. Allele origin: unknown.

Undiagnosed Diseases Network, NIH
Classification: Pathogenic for Multiple congenital anomalies-hypotonia-seizures syndrome 1. Last evaluated: 2022-05-24. Review status: no assertion criteria provided. Collection method: clinical testing. Allele origin: maternal. Affected: yes. Observed: 1 variant allele, 1 compound heterozygote. Not counted in ClinVar's aggregate classification.

Literature cited by the submitters: PubMed 38959600 (cited by Women's Health and Genetics/Laboratory Corporation of America, LabCorp); PubMed 34051595 (cited by Labcorp Genetics (formerly Invitae), Labcorp); PubMed 16199547 (cited by Labcorp Genetics (formerly Invitae), Labcorp); PubMed 24253414 (cited by Labcorp Genetics (formerly Invitae), Labcorp); PubMed 27038415 (cited by Labcorp Genetics (formerly Invitae), Labcorp).

NM_176787.5(PIGN):c.1251+1G>A

Gene: PIGN (phosphatidylinositol glycan anchor biosynthesis class N; minus strand). Cytogenetic location: 18q21.33.
Variant type: single nucleotide variant.
Coding change: c.1251+1G>A on transcript NM_176787.5 (MANE Select); the canonical splice donor site of the intron after coding-DNA position 1251, G replaced by A.
Molecular consequence: splice donor variant.
Genome position (GRCh38, 1-based): chr18:62,114,560, C>T on the plus strand (G>A on the coding strand, the complement: PIGN is on the minus strand). VCF-style: chr18-62114560-C-T. GRCh37 (hg19) VCF-style: chr18-59781793-C-T.
Other names: c.1251+1G>A (NM_012327.6).
Identifiers: ClinVar variation 665474 (VCV000665474.12), dbSNP rs1462805697, ClinGen allele CA402606056.